The following is an entry in ClinVar:

ClinVar aggregate classification (germline): Uncertain significance. Review status: criteria provided, multiple submitters, no conflicts (2 of 4 stars). 2 submissions from 2 submitters: Uncertain significance (2). Last evaluated 2024-11-08.

Conditions:
Inborn genetic diseases. Identifiers: MedGen C0950123, MeSH D030342.

gnomAD v4.1: 1 of 1,571,110 alleles (0.000064%); highest among the groups gnomAD compares: Non-Finnish European, 0.000086%; no homozygotes.

Submissions (2):

Ambry Genetics
Classification: Uncertain significance for Inborn genetic diseases. Last evaluated: 2024-11-08. Review status: criteria provided, single submitter. Criteria: Ambry Variant Classification Scheme 2023. Collection method: clinical testing. Allele origin: germline.

Labcorp Genetics (formerly Invitae), Labcorp
Classification: Uncertain significance. Last evaluated: 2023-10-17. Review status: criteria provided, single submitter. Criteria: Invitae Variant Classification Sherloc (09022015). Collection method: clinical testing. Allele origin: germline.
Comment: This sequence change replaces serine, which is neutral and polar, with tryptophan, which is neutral and slightly polar, at codon 801 of the CLCN7 protein (p.Ser801Trp). This variant is present in population databases (no rsID available, gnomAD no frequency). This variant has not been reported in the literature in individuals affected with CLCN7-related conditions. An algorithm developed to predict the effect of missense changes on protein structure and function (PolyPhen-2) suggests that this variant is likely to be disruptive. In summary, the available evidence is currently insufficient to determine the role of this variant in disease. Therefore, it has been classified as a Variant of Uncertain Significance.

NM_001287.6(CLCN7):c.2402C>G (p.Ser801Trp)

Gene: CLCN7 (chloride voltage-gated channel 7; minus strand). Cytogenetic location: 16p13.3.
Variant type: single nucleotide variant.
Coding change: c.2402C>G on transcript NM_001287.6 (MANE Select); coding-DNA position 2402, C replaced by G.
Protein change: p.Ser801Trp; replaces serine 801 with tryptophan.
Molecular consequence: missense variant.
Genome position (GRCh38, 1-based): chr16:1,446,647, G>C on the plus strand (C>G on the coding strand, the complement: CLCN7 is on the minus strand). VCF-style: chr16-1446647-G-C. GRCh37 (hg19) VCF-style: chr16-1496648-G-C.
Other names: c.2402C>G (NM_001287.4); c.2330C>G, p.Ser777Trp (NM_001114331.3); short protein forms S801W, S777W.
Identifiers: ClinVar variation 2972164 (VCV002972164.4), dbSNP rs184833329, ClinGen allele CA394184556.